The following is an entry in ClinVar:

NM_152490.5(B3GALNT2):c.404C>T (p.Thr135Ile)

Gene: B3GALNT2 (beta-1,3-N-acetylgalactosaminyltransferase 2; minus strand). Cytogenetic location: 1q42.3.
Variant type: single nucleotide variant.
Coding change: c.404C>T on transcript NM_152490.5 (MANE Select); coding-DNA position 404, C replaced by T.
Protein change: p.Thr135Ile; replaces threonine 135 with isoleucine.
Molecular consequence: missense variant.
Genome position (GRCh38, 1-based): chr1:235,484,473, G>A on the plus strand (C>T on the coding strand, the complement: B3GALNT2 is on the minus strand). VCF-style: chr1-235484473-G-A. GRCh37 (hg19) VCF-style: chr1-235647789-G-A.
Other names: c.527C>T, p.Thr176Ile (NM_001277155.3); short protein forms T135I, T176I.
Identifiers: ClinVar variation 424242 (VCV000424242.2), dbSNP rs1064796873, ClinGen allele CA16617088.

ClinVar aggregate classification (germline): Uncertain significance (1 of 4 stars; one submission).

Allele frequency attached by ClinVar (database versions not stated): gnomAD exomes below 0.00001.
gnomAD v4.1: 2 of 1,614,168 alleles (0.00012%); highest among the groups gnomAD compares: Non-Finnish European, 0.00017%; no homozygotes.

Submission:

GeneDx
Classification: Uncertain significance. Last evaluated: 2017-03-09. Review status: criteria provided, single submitter. Criteria: GeneDx Variant Classification (06012015). Collection method: clinical testing. Allele origin: germline. Affected: yes.
Comment: A variant of uncertain significance has been identified in the B3GALNT2 gene. The T135I variant has not been published as a pathogenic variant, nor has it been reported as a benign variant to our knowledge. It is not observed in large population cohorts (Lek et al., 2016; 1000 Genomes Consortium et al., 2015; Exome Variant Server). The T135I variant is a non-conservative amino acid substitution, which is likely to impact secondary protein structure as these residues differ in polarity, charge, size and/or other properties. However, this substitution occurs at a position that is not conserved, and in silico analysis predicts the T135I variant likely does not alter the protein structure/function. Therefore, based on the currently available information, it is unclear whether this variant is a pathogenic variant or a rare benign variant.